The following is an entry in ClinVar:

NM_003611.3(OFD1):c.1030C>T (p.Arg344Ter)

Gene: OFD1 (OFD1 centriole and centriolar satellite protein; plus strand). Cytogenetic location: Xp22.2.
Variant type: single nucleotide variant.
Coding change: c.1030C>T on transcript NM_003611.3 (MANE Select); coding-DNA position 1030, C replaced by T.
Protein change: p.Arg344Ter; replaces arginine 344 with a stop codon.
Molecular consequence: nonsense. On other transcripts: intron variant (1).
Genome position (GRCh38, 1-based): chrX:13,751,343, C>T. VCF-style: chrX-13751343-C-T. GRCh37 (hg19) VCF-style: chrX-13769462-C-T.
Other names: c.1030C>T (NM_003611.2); c.610C>T, p.Arg204Ter (NM_001330210.2); c.935+1810C>T (NM_001330209.2); short protein forms R204*, R344*.
Identifiers: ClinVar variation 1298390 (VCV001298390.13), dbSNP rs758903488, ClinGen allele CA10351732.

ClinVar aggregate classification (germline): Conflicting classifications of pathogenicity. Review status: criteria provided, conflicting classifications (1 of 4 stars). 6 submissions from 6 submitters: Pathogenic (1); Uncertain significance (5). Last evaluated 2026-01-04.

Conditions:
Simpson-Golabi-Behmel syndrome type 2. Identifiers: Orphanet 79022, MedGen C1846175, MONDO:0010265, OMIM 300209.
Joubert syndrome 10 (JBTS10). Identifiers: Orphanet 2754, MedGen C2749019, MONDO:0010431, OMIM 300804.
Joubert syndrome. Also called: JOUBERT-BOLTSHAUSER SYNDROME; Familial aplasia of the vermis. Identifiers: Orphanet 475, MedGen C5979921, MONDO:0018772.
Orofaciodigital syndrome I (OFD1). Also called: Oral-Facial-Digital Syndrome Type I; Papillon-Leage and Psaume Syndrome; OFDS I. Identifiers: Orphanet 2750, MedGen C1510460, MONDO:0010702, OMIM 311200.

Allele frequency attached by ClinVar (database versions not stated): gnomAD exomes 0.00001; TOPMed 0.00001; ExAC 0.00002.

Submissions (6):

Labcorp Genetics (formerly Invitae), Labcorp
Classification: Uncertain significance for Orofaciodigital syndrome I; Joubert syndrome. Last evaluated: 2026-01-04. Review status: criteria provided, single submitter. Criteria: Invitae Variant Classification Sherloc (09022015). Collection method: clinical testing. Allele origin: germline.
Comment: This sequence change creates a premature translational stop signal (p.Arg344*) in the OFD1 gene. However, it is currently unclear if variants that occur in this region of the gene cause disease. This variant is present in population databases (rs758903488, gnomAD 0.008%). This variant has not been reported in the literature in individuals affected with OFD1-related conditions. ClinVar contains an entry for this variant (Variation ID: 1298390). In summary, the available evidence is currently insufficient to determine the role of this variant in disease. Therefore, it has been classified as a Variant of Uncertain Significance.

GeneDx
Classification: Uncertain significance. Last evaluated: 2024-09-05. Review status: criteria provided, single submitter. Criteria: GeneDx Variant Classification Process June 2021. Collection method: clinical testing. Allele origin: germline. Affected: yes.
Comment: Nonsense variant predicted to result in protein truncation or nonsense mediated decay in a gene or region of a gene for which loss of function is not a well-established mechanism of disease; Has not been previously published as pathogenic or benign to our knowledge

Blueprint Genetics
Classification: Uncertain significance. Last evaluated: 2023-08-18. Review status: criteria provided, single submitter. Criteria: ACMG Guidelines, 2015. Collection method: clinical testing. Allele origin: germline.

Revvity Omics, Revvity
Classification: Uncertain significance. Last evaluated: 2021-08-06. Review status: criteria provided, single submitter. Criteria: ACMG Guidelines, 2015. Collection method: clinical testing. Allele origin: germline.

MVZ Martinsried, Medicover Genetics
Classification: Pathogenic for Joubert syndrome 10; Simpson-Golabi-Behmel syndrome type 2. Last evaluated: 2021-06-18. Review status: criteria provided, single submitter. Criteria: ACGS Guidelines, 2020. Collection method: clinical testing. Allele origin: maternal. Affected: yes.

Victorian Clinical Genetics Services, Murdoch Childrens Research Institute
Classification: Uncertain significance for Joubert syndrome 10. Last evaluated: 2021-05-06. Review status: criteria provided, single submitter. Criteria: ACMG Guidelines, 2015. Collection method: clinical testing. Allele origin: germline.
Comment: Based on the classification scheme VCGS_Germline_v1.3.4, this variant is classified as VUS - 3B. Following criteria are met: 0102 - Loss of function is a known mechanism of disease in this gene and is associated with OFD1-related disease. (I) 0109 - This gene is associated with X-linked disease. Pathogenic variants located upstream of exon 17 are typically associated with X-linked dominant orofaciodigital syndrome (OFD1) (MIM#311200), whilst variants 3' of exon 17 cause X-linked recessive Joubert syndrome (JBTS) in males (MIM#300804) (PMID: 23033313; 19800048). However, in-frame and missense variants upstream of exon 17 have been reported in male individuals affected with OFD1, suggesting that type and location of the variant may affect phenotypic outcome (PMID: 30401917; 22353940). (I) 0202 - Variant is predicted to cause nonsense-mediated decay (NMD) and loss of protein (premature termination codon is located at least 54 nucleotides upstream of the final exon-exon junction), but is located in an exon that may undergo alternative splicing. (SP) 0219 - This variant is non-coding in an alternative transcript. This variant in located in exon 10 of an alternative transcript, NM_001330209, which have been reported to have similar biological importance as NM_003611 (PMID: 19800048). (I) 0251 - This variant is heterozygous. (I) 0304 - Variant is present in gnomAD <0.01 for a recessive condition (2 heterozygotes, 0 homozygotes). (SP) 0701 - Other NMD-predicted variants reported using this transcript have very strong previous evidence for pathogenicity, however there are limited number of pathogenic variants within exon 10, an alternatively spliced exon (ClinVar). In addition, there are multiple hemizygous premature termination codon (PTC) variants reported in exon 10 in the gnomAD database, suggesting that PTCs in exon 10 are tolerated. Therefore, the biological and clinical significance of this variant is uncertain. (SP) 0809 - Previous evidence of pathogenicity for this variant is inconclusive. This variant has previously been reported as a variant of unknown significance with no additional evidence (VKGL, LOVD). (I) 0905 - No published segregation evidence has been identified for this variant. (I) 1007 - No published functional evidence has been identified for this variant. (I) 1208 - Inheritance information for this variant is not currently available in this individual. (I) Legend: (SP) - Supporting pathogenic, (I) - Information, (SB) - Supporting benign

Literature cited by the submitters: PubMed 22353940 (cited by Victorian Clinical Genetics Services, Murdoch Childrens Research Institute); PubMed 23033313 (cited by Victorian Clinical Genetics Services, Murdoch Childrens Research Institute); PubMed 19800048 (cited by Victorian Clinical Genetics Services, Murdoch Childrens Research Institute); PubMed 30401917 (cited by Victorian Clinical Genetics Services, Murdoch Childrens Research Institute).